The following is an entry in ClinVar:

ClinVar aggregate classification (germline): Uncertain significance (1 of 4 stars; one submission).

Allele frequency attached by ClinVar (database versions not stated): gnomAD 0.00001; gnomAD exomes 0.00001; TOPMed 0.00002.
gnomAD v4.1: 4 of 1,601,456 alleles (0.00025%); highest among the groups gnomAD compares: Admixed American, 0.0017%; no homozygotes.

Submission:

Labcorp Genetics (formerly Invitae), Labcorp
Classification: Uncertain significance. Last evaluated: 2023-12-08. Review status: criteria provided, single submitter. Criteria: Invitae Variant Classification Sherloc (09022015). Collection method: clinical testing. Allele origin: germline.
Comment: This sequence change replaces methionine, which is neutral and non-polar, with valine, which is neutral and non-polar, at codon 586 of the PACS2 protein (p.Met586Val). This variant is not present in population databases (gnomAD no frequency). This variant has not been reported in the literature in individuals affected with PACS2-related conditions. Advanced modeling of protein sequence and biophysical properties (such as structural, functional, and spatial information, amino acid conservation, physicochemical variation, residue mobility, and thermodynamic stability) performed at Invitae indicates that this missense variant is not expected to disrupt PACS2 protein function with a negative predictive value of 80%. In summary, the available evidence is currently insufficient to determine the role of this variant in disease. Therefore, it has been classified as a Variant of Uncertain Significance.

NM_001100913.3(PACS2):c.1756A>G (p.Met586Val)

Gene: PACS2 (phosphofurin acidic cluster sorting protein 2; plus strand). Cytogenetic location: 14q32.33.
Variant type: single nucleotide variant.
Coding change: c.1756A>G on transcript NM_001100913.3 (MANE Select); coding-DNA position 1756, A replaced by G.
Protein change: p.Met586Val; replaces methionine 586 with valine.
Molecular consequence: missense variant.
Genome position (GRCh38, 1-based): chr14:105,383,489, A>G. VCF-style: chr14-105383489-A-G. GRCh37 (hg19) VCF-style: chr14-105849826-A-G.
Other names: c.1519A>G, p.Met507Val (NM_001243127.3); c.1744A>G, p.Met582Val (NM_015197.4); short protein forms M507V, M582V, M586V.
Identifiers: ClinVar variation 2793894 (VCV002793894.3), dbSNP rs1252899760, ClinGen allele CA391183892.